The following is an entry in ClinVar:

ClinVar aggregate classification (germline): Uncertain significance (1 of 4 stars; one submission).

gnomAD v4.1: 6 of 1,211,228 alleles (0.0005%); highest among the groups gnomAD compares: Admixed American, 0.013%; no homozygotes.

Submission:

Labcorp Genetics (formerly Invitae), Labcorp
Classification: Uncertain significance. Last evaluated: 2025-05-27. Review status: criteria provided, single submitter. Criteria: Invitae Variant Classification Sherloc (09022015). Collection method: clinical testing. Allele origin: germline.
Comment: This sequence change replaces leucine, which is neutral and non-polar, with serine, which is neutral and polar, at codon 41 of the XK protein (p.Leu41Ser). This variant is present in population databases (rs781973539, gnomAD 0.02%), including at least one homozygous and/or hemizygous individual. This variant has not been reported in the literature in individuals affected with XK-related conditions. Invitae Evidence Modeling of protein sequence and biophysical properties (such as structural, functional, and spatial information, amino acid conservation, physicochemical variation, residue mobility, and thermodynamic stability) indicates that this missense variant is not expected to disrupt XK protein function with a negative predictive value of 80%. In summary, the available evidence is currently insufficient to determine the role of this variant in disease. Therefore, it has been classified as a Variant of Uncertain Significance.

NM_021083.4(XK):c.122T>C (p.Leu41Ser)

Gene: XK (X-linked Kx blood group antigen, Kell and VPS13A binding protein; plus strand). Cytogenetic location: Xp21.1.
Variant type: single nucleotide variant.
Coding change: c.122T>C on transcript NM_021083.4 (MANE Select); coding-DNA position 122, T replaced by C.
Protein change: p.Leu41Ser; replaces leucine 41 with serine.
Molecular consequence: missense variant.
Genome position (GRCh38, 1-based): chrX:37,686,083, T>C. VCF-style: chrX-37686083-T-C. GRCh37 (hg19) VCF-style: chrX-37545336-T-C.
Other names: short protein forms L41S.
Identifiers: ClinVar variation 4692939 (VCV004692939.1).